The following is an entry in ClinVar:

ClinVar aggregate classification (germline): Likely benign (1 of 4 stars; one submission).

gnomAD v4.1: 1,126 of 1,609,704 alleles (0.07%); highest among the groups gnomAD compares: East Asian, 1.5%; 10 homozygotes.

Submission:

CeGaT Center for Human Genetics Tuebingen
Classification: Likely benign. Last evaluated: 2025-05-01. Review status: criteria provided, single submitter. Criteria: CeGaT Center For Human Genetics Tuebingen Variant Classification Criteria Version 2. Collection method: clinical testing. Allele origin: germline. Affected: yes. Observed: 1 variant allele.
Comment: SATB1: BP4, BP7, BS1

NM_002971.6(SATB1):c.789C>A (p.Gly263=)

Gene: SATB1 (SATB homeobox 1; minus strand). Cytogenetic location: 3p24.3.
Variant type: single nucleotide variant.
Coding change: c.789C>A on transcript NM_002971.6 (MANE Select); coding-DNA position 789, C replaced by A.
Protein change: p.Gly263=; no amino-acid change (glycine 263 retained).
Molecular consequence: synonymous variant.
Genome position (GRCh38, 1-based): chr3:18,394,879, G>T on the plus strand (C>A on the coding strand, the complement: SATB1 is on the minus strand). VCF-style: chr3-18394879-G-T. GRCh37 (hg19) VCF-style: chr3-18436371-G-T.
Other names: c.789C>A, p.Gly263= (NM_001322875.2, NM_001131010.4, NM_001195470.3 and 4 more transcripts); c.573C>A, p.Gly191= (NM_001322876.2).
Identifiers: ClinVar variation 3905132 (VCV003905132.10).